The following is an entry in ClinVar:

NM_003839.4(TNFRSF11A):c.1439C>T (p.Pro480Leu)

Gene: TNFRSF11A (TNF receptor superfamily member 11a; plus strand). Cytogenetic location: 18q21.33.
Variant type: single nucleotide variant.
Coding change: c.1439C>T on transcript NM_003839.4 (MANE Select); coding-DNA position 1439, C replaced by T.
Protein change: p.Pro480Leu; replaces proline 480 with leucine.
Molecular consequence: missense variant. On other transcripts: intron variant (3).
Genome position (GRCh38, 1-based): chr18:62,369,356, C>T. VCF-style: chr18-62369356-C-T. GRCh37 (hg19) VCF-style: chr18-60036589-C-T.
Other names: c.616+9307C>T (NM_001270951.2); c.1397C>T, p.Pro466Leu (NM_001278268.2); c.783+2596C>T (NM_001270949.2); c.730+7563C>T (NM_001270950.2); short protein forms P466L, P480L.
Identifiers: ClinVar variation 3679194 (VCV003679194.2).

ClinVar aggregate classification (germline): Uncertain significance (1 of 4 stars; one submission).

Submission:

Labcorp Genetics (formerly Invitae), Labcorp
Classification: Uncertain significance. Last evaluated: 2026-01-04. Review status: criteria provided, single submitter. Criteria: Invitae Variant Classification Sherloc (09022015). Collection method: clinical testing. Allele origin: germline.
Comment: This sequence change replaces proline, which is neutral and non-polar, with leucine, which is neutral and non-polar, at codon 480 of the TNFRSF11A protein (p.Pro480Leu). This variant is not present in population databases (gnomAD no frequency). This variant has not been reported in the literature in individuals affected with TNFRSF11A-related conditions. ClinVar contains an entry for this variant (Variation ID: 3679194). An algorithm developed to predict the effect of missense changes on protein structure and function (PolyPhen-2) suggests that this variant is likely to be tolerated. In summary, the available evidence is currently insufficient to determine the role of this variant in disease. Therefore, it has been classified as a Variant of Uncertain Significance.